The following is an entry in ClinVar:

NM_001289125.3(IFNAR2):c.960T>C (p.Asp320=)

Genes: IFNAR2 (interferon alpha and beta receptor subunit 2; plus strand), IFNAR2-IL10RB (IFNAR2-IL10RB readthrough; plus strand). Cytogenetic location: 21q22.11.
Variant type: single nucleotide variant.
Coding change: c.960T>C on transcript NM_001289125.3 (MANE Select); coding-DNA position 960, T replaced by C.
Protein change: p.Asp320=; no amino-acid change (aspartic acid 320 retained).
Molecular consequence: synonymous variant. On other transcripts: 3 prime UTR variant (5), intron variant (1).
Genome position (GRCh38, 1-based): chr21:33,262,912, T>C. VCF-style: chr21-33262912-T-C. GRCh37 (hg19) VCF-style: chr21-34635217-T-C.
Other names: c.*196T>C (NM_000874.5, NM_207584.3); c.*109T>C (NM_001289126.2, NM_001289128.2); c.*335T>C (NM_001385054.1); c.960T>C, p.Asp320= (NM_001385055.1, NM_207585.3); c.710-5482T>C (NM_001414505.1).
Identifiers: ClinVar variation 3029025 (VCV003029025.2), dbSNP rs2516763112, ClinGen allele CA512332983.
Genomic context (GRCh38, chr21:33,262,912, plus strand): 5'-TATGGTGGAGGTCATTTACATCAACAGAAAGAAGAAAGTGTGGGATTATAATTATGATGA[T>C]GAAAGTGATAGCGATACTGAGGCAGCGCCCAGGACAAGTGGCGGTGGCTATACCATGCAT-3'
Protein context (NP_001276054.1, residues 310-330): KKKVWDYNYD[Asp320=]ESDSDTEAAP

ClinVar aggregate classification (germline): Likely benign (0 of 4 stars; one submission).

Conditions:
IFNAR2-related disorder. Also called: IFNAR2-related condition.

Allele frequency attached by ClinVar (database versions not stated): gnomAD exomes below 0.00001.
gnomAD v4.1: 1 of 1,614,136 alleles (0.000062%); highest among the groups gnomAD compares: Non-Finnish European, 0.000085%; no homozygotes.

Submission:

PreventionGenetics, part of Exact Sciences
Classification: Likely benign for IFNAR2-related condition. Last evaluated: 2023-10-20. Review status: no assertion criteria provided. Collection method: clinical testing. Allele origin: germline.
Comment: This variant is classified as likely benign based on ACMG/AMP sequence variant interpretation guidelines (Richards et al. 2015 PMID: 25741868, with internal and published modifications).